The following is an entry in ClinVar:

ClinVar aggregate classification (germline): Uncertain significance (1 of 4 stars; one submission).

Conditions:
Developmental and epileptic encephalopathy, 1 (DEE1). Also called: X-linked infantile spasms; West's syndrome; Tonic spasms with clustering, arrest of psychomotor development and hypsarrhythmia on EEG; X-Linked Infantile Spasm Syndrome; OHTAHARA SYNDROME, X-LINKED; INFANTILE SPASM SYNDROME, X-LINKED 1. Identifiers: MedGen C3463992, MONDO:0010632, OMIM 308350. Disease mechanism: loss of function.
Autosomal recessive spinocerebellar ataxia 12. Also called: SPINOCEREBELLAR ATAXIA WITH MENTAL RETARDATION AND EPILEPSY. Identifiers: Orphanet 284282, MedGen C3280452, MONDO:0013687, OMIM 614322.

Allele frequency attached by ClinVar (database versions not stated): gnomAD exomes below 0.00001 and 0.00002; ExAC 0.00001; gnomAD 0.00001.
gnomAD v4.1: 31 of 1,614,080 alleles (0.0019%); highest among the groups gnomAD compares: East Asian, 0.058%; no homozygotes.

Submission:

Labcorp Genetics (formerly Invitae), Labcorp
Classification: Uncertain significance for Developmental and epileptic encephalopathy, 1; Autosomal recessive spinocerebellar ataxia 12. Last evaluated: 2024-10-28. Review status: criteria provided, single submitter. Criteria: Invitae Variant Classification Sherloc (09022015). Collection method: clinical testing. Allele origin: germline.
Comment: This sequence change replaces glycine, which is neutral and non-polar, with serine, which is neutral and polar, at codon 370 of the WWOX protein (p.Gly370Ser). This variant is present in population databases (rs770628801, gnomAD 0.006%). This variant has not been reported in the literature in individuals affected with WWOX-related conditions. ClinVar contains an entry for this variant (Variation ID: 1027321). Invitae Evidence Modeling of protein sequence and biophysical properties (such as structural, functional, and spatial information, amino acid conservation, physicochemical variation, residue mobility, and thermodynamic stability) indicates that this missense variant is not expected to disrupt WWOX protein function with a negative predictive value of 80%. In summary, the available evidence is currently insufficient to determine the role of this variant in disease. Therefore, it has been classified as a Variant of Uncertain Significance.

NM_016373.4(WWOX):c.1108G>A (p.Gly370Ser)

Genes: MAF (MAF bZIP transcription factor; minus strand), WWOX (WW domain containing oxidoreductase; plus strand). Cytogenetic location: 16q23.2.
Variant type: single nucleotide variant.
Coding change: c.1108G>A on transcript NM_016373.4 (MANE Select); coding-DNA position 1108, G replaced by A.
Protein change: p.Gly370Ser; replaces glycine 370 with serine.
Molecular consequence: missense variant.
Genome position (GRCh38, 1-based): chr16:79,211,659, G>A. VCF-style: chr16-79211659-G-A. GRCh37 (hg19) VCF-style: chr16-79245556-G-A.
Other names: c.769G>A, p.Gly257Ser (NM_001291997.2); short protein forms G257S, G370S.
Identifiers: ClinVar variation 1027321 (VCV001027321.8), dbSNP rs770628801, ClinGen allele CA8183742.